The following is an entry in ClinVar:

ClinVar aggregate classification (germline): Uncertain significance (1 of 4 stars; one submission).

Conditions:
Inborn genetic diseases. Identifiers: MedGen C0950123, MeSH D030342.

Submission:

Ambry Genetics
Classification: Uncertain significance for Inborn genetic diseases. Last evaluated: 2022-03-16. Review status: criteria provided, single submitter. Criteria: Ambry Variant Classification Scheme 2023. Collection method: clinical testing. Allele origin: germline.
Comment: The p.R37H variant (also known as c.110G>A), located in coding exon 1 of the ACD gene, results from a G to A substitution at nucleotide position 110. The arginine at codon 37 is replaced by histidine, an amino acid with highly similar properties. This amino acid position is conserved. In addition, this alteration is predicted to be tolerated by in silico analysis. Since supporting evidence is limited at this time, the clinical significance of this alteration remains unclear.

NM_001082486.1(ACD):c.110G>A (p.Arg37His)

Genes: ACD (ACD shelterin complex subunit and telomerase recruitment factor; minus strand), LOC130059224 (ATAC-STARR-seq lymphoblastoid silent region 7617; plus strand). Cytogenetic location: 16q22.1.
Variant type: single nucleotide variant.
Coding change: c.110G>A on transcript NM_001082486.1; coding-DNA position 110, G replaced by A.
Protein change: p.Arg37His; replaces arginine 37 with histidine.
Genome position (GRCh38, 1-based): chr16:67,660,369, C>T on the plus strand (G>A on the coding strand, the complement: ACD is on the minus strand). VCF-style: chr16-67660369-C-T. GRCh37 (hg19) VCF-style: chr16-67694272-C-T.
Other names: short protein forms R37H.
Identifiers: ClinVar variation 1794811 (VCV001794811.2), dbSNP rs2543612949, ClinGen allele CA396359749.